The following is an entry in ClinVar:

NM_004036.5(ADCY3):c.63C>G (p.Ser21=)

Gene: ADCY3 (adenylate cyclase 3; minus strand). Cytogenetic location: 2p23.3.
Variant type: single nucleotide variant.
Coding change: c.63C>G on transcript NM_004036.5 (MANE Select); coding-DNA position 63, C replaced by G.
Protein change: p.Ser21=; no amino-acid change (serine 21 retained).
Molecular consequence: synonymous variant.
Genome position (GRCh38, 1-based): chr2:24,918,925, G>C on the plus strand (C>G on the coding strand, the complement: ADCY3 is on the minus strand). VCF-style: chr2-24918925-G-C. GRCh37 (hg19) VCF-style: chr2-25141794-G-C.
Other names: c.63C>G, p.Ser21= (NM_001320613.2, NM_001377128.1, NM_001377129.1 and 2 more transcripts).
Identifiers: ClinVar variation 3351587 (VCV003351587.1).

ClinVar aggregate classification (germline): Likely benign (0 of 4 stars; one submission).

Conditions:
ADCY3-related disorder. Also called: ADCY3-related condition.

gnomAD v4.1: 3 of 1,612,028 alleles (0.00019%); highest among the groups gnomAD compares: Admixed American, 0.005%; no homozygotes.

Submission:

PreventionGenetics, part of Exact Sciences
Classification: Likely benign for ADCY3-related condition. Last evaluated: 2024-05-06. Review status: no assertion criteria provided. Collection method: clinical testing. Allele origin: germline.
Comment: This variant is classified as likely benign based on ACMG/AMP sequence variant interpretation guidelines (Richards et al. 2015 PMID: 25741868, with internal and published modifications).